The following is an entry in ClinVar:

NM_000051.4(ATM):c.3728A>G (p.Asn1243Ser)

Gene: ATM (ATM serine/threonine kinase; plus strand). Cytogenetic location: 11q22.3.
Variant type: single nucleotide variant.
Coding change: c.3728A>G on transcript NM_000051.4 (MANE Select); coding-DNA position 3728, A replaced by G.
Protein change: p.Asn1243Ser; replaces asparagine 1243 with serine.
Molecular consequence: missense variant.
Genome position (GRCh38, 1-based): chr11:108,282,861, A>G. VCF-style: chr11-108282861-A-G. GRCh37 (hg19) VCF-style: chr11-108153588-A-G.
Other names: c.3728A>G, p.Asn1243Ser (NM_001351834.2); short protein forms N1243S.
Identifiers: ClinVar variation 453486 (VCV000453486.21), dbSNP rs730881363, ClinGen allele CA382523786.
Genomic context (GRCh38, chr11:108,282,861, plus strand): 5'-ATCTTCAAGATACTGAATACAACTTATCTTCTTTTCCTTTTATTTTATTAAACTACACAA[A>G]TATTGAGGATTTCTATAGGTAAGTTTATACATGACATATGTGAAATTTGTTTAATTTAAA-3'
Protein context (NP_000042.3, residues 1233-1253): SFPFILLNYT[Asn1243Ser]IEDFYRSCYK

ClinVar aggregate classification (germline): Conflicting classifications of pathogenicity. Review status: criteria provided, conflicting classifications (1 of 4 stars). 5 submissions from 5 submitters: Uncertain significance (3); Likely benign (1). 1 of the submissions does not count toward it. Last evaluated 2025-10-07.

Conditions:
Hereditary cancer-predisposing syndrome. Also called: Tumor predisposition; Hereditary Cancer Syndrome; Neoplastic Syndromes, Hereditary; Hereditary neoplastic syndrome. Identifiers: Orphanet 140162, MedGen C0027672, MeSH D009386, MONDO:0015356.
Ataxia-telangiectasia syndrome (AT). Also called: Cerebello-oculocutaneous telangiectasia; Immunodeficiency with ataxia telangiectasia; Ataxia-telangiectasia, complementation group D; AT, COMPLEMENTATION GROUP C; Ataxia-telangiectasia, complementation group E; LOUIS-BAR SYNDROME. Identifiers: Orphanet 100, MedGen C0004135, MONDO:0008840, OMIM 208900.

Allele frequency attached by ClinVar (database versions not stated): gnomAD exomes below 0.00001 and 0.00001; TOPMed below 0.00001; gnomAD 0.00001.
gnomAD v4.1: 9 of 1,501,006 alleles (0.0006%); highest among the groups gnomAD compares: Non-Finnish European, 0.00083%; no homozygotes.

Submissions (5):

Labcorp Genetics (formerly Invitae), Labcorp
Classification: Uncertain significance for Ataxia-telangiectasia syndrome. Last evaluated: 2025-10-07. Review status: criteria provided, single submitter. Criteria: Invitae Variant Classification Sherloc (09022015). Collection method: clinical testing. Allele origin: germline.
Comment: This sequence change replaces asparagine, which is neutral and polar, with serine, which is neutral and polar, at codon 1243 of the ATM protein (p.Asn1243Ser). This variant is present in population databases (no rsID available, gnomAD 0.0009%). This variant has not been reported in the literature in individuals affected with ATM-related conditions. ClinVar contains an entry for this variant (Variation ID: 453486). Invitae Evidence Modeling of protein sequence and biophysical properties (such as structural, functional, and spatial information, amino acid conservation, physicochemical variation, residue mobility, and thermodynamic stability) indicates that this missense variant is not expected to disrupt ATM protein function with a negative predictive value of 95%. In summary, the available evidence is currently insufficient to determine the role of this variant in disease. Therefore, it has been classified as a Variant of Uncertain Significance.

Quest Diagnostics Nichols Institute San Juan Capistrano
Classification: Uncertain significance. Last evaluated: 2025-07-24. Review status: criteria provided, single submitter. Criteria: Quest Diagnostics criteria. Collection method: clinical testing. Allele origin: unknown.

Color Diagnostics, LLC DBA Color Health
Classification: Uncertain significance for Hereditary cancer-predisposing syndrome. Last evaluated: 2024-11-14. Review status: criteria provided, single submitter. Criteria: ACMG Guidelines, 2015. Collection method: clinical testing. Allele origin: germline.
Comment: This missense variant replaces asparagine with serine at codon 1243 of the ATM protein. Computational prediction suggests that this variant may not impact protein structure and function. To our knowledge, functional studies have not been reported for this variant. This variant has not been reported in individuals affected with ATM-related disorders in the literature. This variant has been identified in 1/243626 chromosomes in the general population by the Genome Aggregation Database (gnomAD). The available evidence is insufficient to determine the role of this variant in disease conclusively. Therefore, this variant is classified as a Variant of Uncertain Significance.

Ambry Genetics
Classification: Likely benign for Hereditary cancer-predisposing syndrome. Last evaluated: 2024-07-23. Review status: criteria provided, single submitter. Criteria: Ambry Variant Classification Scheme 2023. Collection method: clinical testing. Allele origin: germline.

Natera, Inc.
Classification: Uncertain significance for Ataxia-telangiectasia. Last evaluated: 2020-09-16. Review status: no assertion criteria provided. Collection method: clinical testing. Allele origin: germline. Not counted in ClinVar's aggregate classification.